The following is an entry in ClinVar:

NM_001267550.2(TTN):c.88342G>T (p.Glu29448Ter)

Genes: TTN-AS1 (TTN antisense RNA 1; plus strand), TTN (titin; minus strand). Cytogenetic location: 2q31.2.
Variant type: single nucleotide variant.
Coding change: c.88342G>T on transcript NM_001267550.2 (MANE Select); coding-DNA position 88342, G replaced by T.
Protein change: p.Glu29448Ter; replaces glutamic acid 29448 with a stop codon.
Molecular consequence: nonsense.
Genome position (GRCh38, 1-based): chr2:178,555,117, C>A on the plus strand (G>T on the coding strand, the complement: TTN is on the minus strand). VCF-style: chr2-178555117-C-A. GRCh37 (hg19) VCF-style: chr2-179419844-C-A.
Other names: c.83419G>T, p.Glu27807Ter (NM_001256850.1); c.61147G>T, p.Glu20383Ter (NM_003319.4); c.80638G>T, p.Glu26880Ter (NM_133378.4); c.61522G>T, p.Glu20508Ter (NM_133432.3); c.61723G>T, p.Glu20575Ter (NM_133437.4); short protein forms E20383*, E20508*, E20575*, E26880*, E27807*, E29448*.
Identifiers: ClinVar variation 3750979 (VCV003750979.3).

ClinVar aggregate classification (germline): Likely pathogenic. Review status: criteria provided, multiple submitters, no conflicts (2 of 4 stars). 2 submissions from 2 submitters: Likely pathogenic (2). Last evaluated 2024-11-11.

Conditions:
Autosomal recessive limb-girdle muscular dystrophy type 2J (LGMDR10). Also called: Limb-girdle muscular dystrophy, type 2J; MUSCULAR DYSTROPHY, LIMB-GIRDLE, AUTOSOMAL RECESSIVE 10. Identifiers: Orphanet 140922, MedGen C1837342, MONDO:0012127, OMIM 608807.
Dilated cardiomyopathy 1G (CMD1G). Identifiers: Orphanet 154, MedGen C1858763, MONDO:0011400, OMIM 604145.

Submissions (2):

GeneDx
Classification: Likely pathogenic. Last evaluated: 2024-11-11. Review status: criteria provided, single submitter. Criteria: GeneDx Variant Classification Process June 2021. Collection method: clinical testing. Allele origin: germline. Affected: yes.
Comment: Has not been previously published as pathogenic or benign to our knowledge; Not observed at significant frequency in large population cohorts (gnomAD); Nonsense variant predicted to result in protein truncation or nonsense mediated decay in a gene for which loss of function is a known mechanism of disease; This variant is associated with the following publications: (PMID: 22335739)

Labcorp Genetics (formerly Invitae), Labcorp
Classification: Likely pathogenic for Dilated cardiomyopathy 1G; Autosomal recessive limb-girdle muscular dystrophy type 2J. Last evaluated: 2024-08-27. Review status: criteria provided, single submitter. Criteria: Invitae Variant Classification Sherloc (09022015). Collection method: clinical testing. Allele origin: germline.
Comment: This sequence change creates a premature translational stop signal (p.Glu29448*) in the TTN gene. While this is not anticipated to result in nonsense mediated decay, it is expected to create a truncated TTN protein. This variant is not present in population databases (gnomAD no frequency). This variant has not been reported in the literature in individuals affected with TTN-related conditions. This variant is located in the A band of TTN (PMID: 25589632). Truncating variants in this region are significantly overrepresented in patients affected with dilated cardiomyopathy (PMID: 25589632). Truncating variants in this region have also been reported in individuals affected with autosomal recessive centronuclear myopathy (PMID: 23975875). In summary, the currently available evidence indicates that the variant is pathogenic, but additional data are needed to prove that conclusively. Therefore, this variant has been classified as Likely Pathogenic.

Literature cited by the submitters: PubMed 25589632 (cited by Labcorp Genetics (formerly Invitae), Labcorp); PubMed 23975875 (cited by Labcorp Genetics (formerly Invitae), Labcorp).